The following is an entry in ClinVar:

NM_001283009.2(RTEL1):c.3135G>C (p.Trp1045Cys)

Genes: RTEL1 (regulator of telomere elongation helicase 1; plus strand), RTEL1-TNFRSF6B (RTEL1-TNFRSF6B readthrough (NMD candidate); plus strand). Cytogenetic location: 20q13.33.
Variant type: single nucleotide variant.
Coding change: c.3135G>C on transcript NM_001283009.2 (MANE Select); coding-DNA position 3135, G replaced by C.
Protein change: p.Trp1045Cys; replaces tryptophan 1045 with cysteine.
Molecular consequence: missense variant. On other transcripts: non-coding transcript variant (1).
Genome position (GRCh38, 1-based): chr20:63,694,766, G>C. VCF-style: chr20-63694766-G-C. GRCh37 (hg19) VCF-style: chr20-62326119-G-C.
Other names: c.2466G>C, p.Trp822Cys (NM_001283010.1); c.3135G>C, p.Trp1045Cys (NM_016434.4); c.3207G>C, p.Trp1069Cys (NM_032957.5); short protein forms W1069C, W1045C, W822C.
Identifiers: ClinVar variation 3948233 (VCV003948233.1).

ClinVar aggregate classification (germline): Uncertain significance (1 of 4 stars; one submission).

Conditions:
Inborn genetic diseases. Identifiers: MedGen C0950123, MeSH D030342.

gnomAD v4.1: 1 of 1,608,072 alleles (0.000062%); no homozygotes.

Submission:

Ambry Genetics
Classification: Uncertain significance for Inborn genetic diseases. Last evaluated: 2025-03-20. Review status: criteria provided, single submitter. Criteria: Ambry Variant Classification Scheme 2023. Collection method: clinical testing. Allele origin: germline.
Comment: The p.W1045C variant (also known as c.3135G>C), located in coding exon 31 of the RTEL1 gene, results from a G to C substitution at nucleotide position 3135. The tryptophan at codon 1045 is replaced by cysteine, an amino acid with highly dissimilar properties. This amino acid position is conserved. In addition, this alteration is predicted to be tolerated by in silico analysis. Based on the available evidence, the clinical significance of this variant remains unclear.